The following is an entry in ClinVar:

NM_007078.3(LDB3):c.860-1G>A

Gene: LDB3 (LIM domain binding 3; plus strand). Cytogenetic location: 10q23.2.
Variant type: single nucleotide variant.
Coding change: c.860-1G>A on transcript NM_007078.3 (MANE Select); the canonical splice acceptor site of the intron before coding-DNA position 860, G replaced by A.
Molecular consequence: splice acceptor variant.
Genome position (GRCh38, 1-based): chr10:86,692,534, G>A. VCF-style: chr10-86692534-G-A. GRCh37 (hg19) VCF-style: chr10-88452291-G-A.
Other names: c.860-1G>A (NM_001368064.1, NM_001368063.1, NM_001368065.1 and 1 more transcripts); c.719-1G>A (NM_001368068.1, NM_001368066.1, NM_001080114.2 and 2 more transcripts); c.1064-1G>A (NM_001171610.2, NM_001171611.2).
Identifiers: ClinVar variation 4767830 (VCV004767830.1).

ClinVar aggregate classification (germline): Likely pathogenic (1 of 4 stars; one submission).

Conditions:
Myofibrillar myopathy 4. Also called: Zaspopathy (type). Identifiers: Orphanet 98912, MedGen C4721886, MONDO:0012277, OMIM 609452.

Submission:

Labcorp Genetics (formerly Invitae), Labcorp
Classification: Likely pathogenic for Myofibrillar myopathy 4. Last evaluated: 2025-02-13. Review status: criteria provided, single submitter. Criteria: Invitae Variant Classification Sherloc (09022015). Collection method: clinical testing. Allele origin: germline.
Comment: The LDB3 gene has multiple clinically relevant transcripts. This variant occurs in alternate transcript NM_007078.3, and corresponds to NM_001080116.1:c.719-1G>A in the primary transcript. This sequence change affects an acceptor splice site in intron 6 of the LDB3 gene. It is expected to disrupt RNA splicing. Variants that disrupt the donor or acceptor splice site typically lead to a loss of protein function (PMID: 16199547), and loss-of-function variants in LDB3 are known to be pathogenic (PMID: 36253531). This variant is not present in population databases (gnomAD no frequency). This variant has not been reported in the literature in individuals affected with LDB3-related conditions. Algorithms developed to predict the effect of sequence changes on RNA splicing suggest that this variant may disrupt the consensus splice site. In summary, the currently available evidence indicates that the variant is pathogenic, but additional data are needed to prove that conclusively. Therefore, this variant has been classified as Likely Pathogenic.

Literature cited by the submitters: PubMed 16199547; PubMed 36253531.